The following is an entry in ClinVar:

NM_006031.6(PCNT):c.5519G>A (p.Arg1840His)

Gene: PCNT (pericentrin; plus strand). Cytogenetic location: 21q22.3.
Variant type: single nucleotide variant.
Coding change: c.5519G>A on transcript NM_006031.6 (MANE Select); coding-DNA position 5519, G replaced by A.
Protein change: p.Arg1840His; replaces arginine 1840 with histidine.
Molecular consequence: missense variant.
Genome position (GRCh38, 1-based): chr21:46,411,592, G>A. VCF-style: chr21-46411592-G-A. GRCh37 (hg19) VCF-style: chr21-47831506-G-A.
Other names: c.5165G>A, p.Arg1722His (NM_001315529.2); c.5519G>A (NM_006031.5); short protein forms R1840H, R1722H.
Identifiers: ClinVar variation 1423558 (VCV001423558.6), dbSNP rs200559632, ClinGen allele CA10080009.

ClinVar aggregate classification (germline): Conflicting classifications of pathogenicity. Review status: criteria provided, conflicting classifications (1 of 4 stars). 3 submissions from 3 submitters: Uncertain significance (1); Likely benign (1). 1 of the submissions does not count toward it. Last evaluated 2025-10-24.

Conditions:
Inborn genetic diseases. Identifiers: MedGen C0950123, MeSH D030342.
PCNT-related disorder. Also called: PCNT-related condition.

gnomAD v4.1: 87 of 1,612,902 alleles (0.0054%); highest among the groups gnomAD compares: Admixed American, 0.015%; 1 homozygote.

Submissions (3):

Ambry Genetics
Classification: Likely benign for Inborn genetic diseases. Last evaluated: 2025-10-24. Review status: criteria provided, single submitter. Criteria: Ambry Variant Classification Scheme 2023. Collection method: clinical testing. Allele origin: germline.

Labcorp Genetics (formerly Invitae), Labcorp
Classification: Uncertain significance. Last evaluated: 2022-07-05. Review status: criteria provided, single submitter. Criteria: Invitae Variant Classification Sherloc (09022015). Collection method: clinical testing. Allele origin: germline.
Comment: This sequence change replaces arginine, which is basic and polar, with histidine, which is basic and polar, at codon 1840 of the PCNT protein (p.Arg1840His). This variant is present in population databases (rs200559632, gnomAD 0.02%). This variant has not been reported in the literature in individuals affected with PCNT-related conditions. ClinVar contains an entry for this variant (Variation ID: 1423558). Algorithms developed to predict the effect of missense changes on protein structure and function output the following: SIFT: "Tolerated"; PolyPhen-2: "Possibly Damaging"; Align-GVGD: "Class C0". The histidine amino acid residue is found in multiple mammalian species, which suggests that this missense change does not adversely affect protein function. In summary, the available evidence is currently insufficient to determine the role of this variant in disease. Therefore, it has been classified as a Variant of Uncertain Significance.

PreventionGenetics, part of Exact Sciences
Classification: Uncertain significance for PCNT-related condition. Last evaluated: 2024-09-20. Review status: no assertion criteria provided. Collection method: clinical testing. Allele origin: germline. Not counted in ClinVar's aggregate classification.
Comment: The PCNT c.5519G>A variant is predicted to result in the amino acid substitution p.Arg1840His. To our knowledge, this variant has not been reported in the literature. This variant is reported in 0.017% of alleles in individuals of Latino descent in gnomAD. At this time, the clinical significance of this variant is uncertain due to the absence of conclusive functional and genetic evidence.